The following is an entry in ClinVar:

ClinVar aggregate classification (germline): Likely benign (1 of 4 stars; one submission).

Conditions:
AFF4-related disorder. Also called: AFF4-related condition.

gnomAD v4.1: 5 of 1,611,028 alleles (0.00031%); highest among the groups gnomAD compares: African/African-American, 0.004%; no homozygotes.

Submission:

PreventionGenetics, part of Exact Sciences
Classification: Likely benign for AFF4-related condition. Last evaluated: 2025-01-03. Review status: criteria provided, single submitter. Criteria: ACMG Guidelines, 2015. Collection method: clinical testing. Allele origin: germline.
Comment: This variant is classified as likely benign based on ACMG/AMP sequence variant interpretation guidelines (Richards et al. 2015 PMID: 25741868, with internal and published modifications).

NM_014423.4(AFF4):c.2253G>A (p.Glu751=)

Gene: AFF4 (ALF transcription elongation factor 4; minus strand). Cytogenetic location: 5q31.1.
Variant type: single nucleotide variant.
Coding change: c.2253G>A on transcript NM_014423.4 (MANE Select); coding-DNA position 2253, G replaced by A.
Protein change: p.Glu751=; no amino-acid change (glutamic acid 751 retained).
Molecular consequence: synonymous variant.
Genome position (GRCh38, 1-based): chr5:132,896,377, C>T on the plus strand (G>A on the coding strand, the complement: AFF4 is on the minus strand). VCF-style: chr5-132896377-C-T. GRCh37 (hg19) VCF-style: chr5-132232069-C-T.
Identifiers: ClinVar variation 4980539 (VCV004980539.1).